The following is an entry in ClinVar:

NM_001211.6(BUB1B):c.247A>G (p.Ser83Gly)

Gene: BUB1B (BUB1 mitotic checkpoint serine/threonine kinase B; plus strand). Cytogenetic location: 15q15.1.
Variant type: single nucleotide variant.
Coding change: c.247A>G on transcript NM_001211.6 (MANE Select); coding-DNA position 247, A replaced by G.
Protein change: p.Ser83Gly; replaces serine 83 with glycine.
Molecular consequence: missense variant.
Genome position (GRCh38, 1-based): chr15:40,170,544, A>G. VCF-style: chr15-40170544-A-G. GRCh37 (hg19) VCF-style: chr15-40462745-A-G.
Other names: short protein forms S83G.
Identifiers: ClinVar variation 2497646 (VCV002497646.2), dbSNP rs147832586, ClinGen allele CA7475435.

ClinVar aggregate classification (germline): Uncertain significance (1 of 4 stars; one submission).

Conditions:
Inborn genetic diseases. Identifiers: MedGen C0950123, MeSH D030342.

Allele frequency attached by ClinVar (database versions not stated): ExAC 0.00002; ESP Exome Variant Server 0.00008.
gnomAD v4.1: 6 of 1,613,658 alleles (0.00037%); highest among the groups gnomAD compares: Non-Finnish European, 0.00051%; no homozygotes.

Submission:

Ambry Genetics
Classification: Uncertain significance for Inborn genetic diseases. Last evaluated: 2023-02-24. Review status: criteria provided, single submitter. Criteria: Ambry Variant Classification Scheme 2023. Collection method: clinical testing. Allele origin: germline.
Comment: The p.S83G variant (also known as c.247A>G), located in coding exon 4 of the BUB1B gene, results from an A to G substitution at nucleotide position 247. The serine at codon 83 is replaced by glycine, an amino acid with similar properties. This amino acid position is conserved. In addition, this alteration is predicted to be tolerated by in silico analysis. Since supporting evidence is limited at this time, the clinical significance of this alteration remains unclear.